The following is an entry in ClinVar:

ClinVar aggregate classification (germline): Conflicting classifications of pathogenicity. Review status: criteria provided, conflicting classifications (1 of 4 stars). 2 submissions from 2 submitters: Uncertain significance (1); Likely benign (1). Last evaluated 2024-05-09.

Conditions:
Hereditary cancer-predisposing syndrome. Also called: Hereditary Cancer Syndrome; Hereditary neoplastic syndrome; Neoplastic Syndromes, Hereditary; Tumor predisposition. Identifiers: Orphanet 140162, MedGen C0027672, MeSH D009386, MONDO:0015356.
Haddad syndrome (OHD). Also called: Ondine-Hirschsprung disease. Identifiers: Orphanet 99803, MedGen C1859049, MONDO:0020493.

Submissions (2):

Ambry Genetics
Classification: Likely benign for Hereditary cancer-predisposing syndrome. Last evaluated: 2024-05-09. Review status: criteria provided, single submitter. Criteria: Ambry Variant Classification Scheme 2023. Collection method: clinical testing. Allele origin: germline.

Labcorp Genetics (formerly Invitae), Labcorp
Classification: Uncertain significance for Haddad syndrome. Last evaluated: 2016-10-21. Review status: criteria provided, single submitter. Criteria: Invitae Variant Classification Sherloc (09022015). Collection method: clinical testing. Allele origin: germline.
Comment: This sequence change replaces asparagine with lysine at codon 211 of the PHOX2B protein (p.Asn211Lys). The asparagine residue is moderately conserved and there is a moderate physicochemical difference between asparagine and lysine. This variant is not present in population databases (ExAC no frequency) and has not been reported in the literature in individuals with a PHOX2B-related disease. Algorithms developed to predict the effect of missense changes on protein structure and function (SIFT, PolyPhen-2, Align-GVGD) all suggest that this variant is likely to be tolerated, but these predictions have not been confirmed by published functional studies. In summary, this variant is a novel missense change that is not predicted to affect protein function. There is no indication that it causes disease, but the available evidence is currently insufficient to prove that conclusively. Therefore, it has been classified as a Variant of Uncertain Significance.

NM_003924.4(PHOX2B):c.633T>G (p.Asn211Lys)

Gene: PHOX2B (paired like homeobox 2B; minus strand). Cytogenetic location: 4p13.
Variant type: single nucleotide variant.
Coding change: c.633T>G on transcript NM_003924.4 (MANE Select); coding-DNA position 633, T replaced by G.
Protein change: p.Asn211Lys; replaces asparagine 211 with lysine.
Molecular consequence: missense variant.
Genome position (GRCh38, 1-based): chr4:41,746,119, A>C on the plus strand (T>G on the coding strand, the complement: PHOX2B is on the minus strand). VCF-style: chr4-41746119-A-C. GRCh37 (hg19) VCF-style: chr4-41748136-A-C.
Other names: short protein forms N211K.
Identifiers: ClinVar variation 406404 (VCV000406404.15), dbSNP rs1060501120, ClinGen allele CA16611436.
Genomic context (GRCh38, chr4:41,746,119, plus strand): 5'-GCCCCCGGGCCCCGCCGCCCCCGGAGCTCCAGCCGGGCTGGGCCCGCCGCCGCCGCCTCC[A>C]TTCGCCCCGCAGCTGGGGGTGGGGTTGGGATTGGGACCTGGGCCCCCAGTGCTGTCCGGG-3'
Protein context (NP_003915.2, residues 201-221): NPNPTPSCGA[Asn211Lys]GGGGGGPSPA